The following is an entry in ClinVar:

NM_001365536.1(SCN9A):c.472A>T (p.Thr158Ser)

Gene: SCN9A (sodium voltage-gated channel alpha subunit 9; minus strand). Cytogenetic location: 2q24.3.
Variant type: single nucleotide variant.
Coding change: c.472A>T on transcript NM_001365536.1 (MANE Select); coding-DNA position 472, A replaced by T.
Protein change: p.Thr158Ser; replaces threonine 158 with serine.
Molecular consequence: missense variant.
Genome position (GRCh38, 1-based): chr2:166,305,916, T>A on the plus strand (A>T on the coding strand, the complement: SCN9A is on the minus strand). VCF-style: chr2-166305916-T-A. GRCh37 (hg19) VCF-style: chr2-167162426-T-A.
Other names: c.472A>T, p.Thr158Ser (NM_002977.4); short protein forms T158S.
Identifiers: ClinVar variation 958881 (VCV000958881.13), dbSNP rs758252419, ClinGen allele CA1944773.

ClinVar aggregate classification (germline): Uncertain significance. Review status: criteria provided, multiple submitters, no conflicts (2 of 4 stars). 3 submissions from 3 submitters: Uncertain significance (3). Last evaluated 2023-09-20.

Conditions:
Generalized epilepsy with febrile seizures plus, type 7 (GEFSP7). Also called: GEFS+, TYPE 7. Identifiers: Orphanet 36387, MedGen C2751778, MONDO:0013470, OMIM 613863.
Neuropathy, hereditary sensory and autonomic, type 2A (HSAN2A). Also called: HSAN IIA; ACROOSTEOLYSIS, GIACCAI TYPE; ACROOSTEOLYSIS, NEUROGENIC; MORVAN DISEASE; NEUROPATHY, CONGENITAL SENSORY; NEUROPATHY, HEREDITARY SENSORY RADICULAR, AUTOSOMAL RECESSIVE. Identifiers: Orphanet 970, MedGen C2752089, MONDO:0024309, OMIM 201300.
Channelopathy-associated congenital insensitivity to pain, autosomal recessive. Also called: Insensitivity to pain, channelopathy-associated; ASYMBOLIA FOR PAIN; CONGENITAL ANALGESIA, AUTOSOMAL RECESSIVE. Identifiers: Orphanet 88642, Orphanet 970, MedGen C1855739, MONDO:0009459, OMIM 243000.
Paroxysmal extreme pain disorder (PEXPD). Also called: PAIN, SUBMANDIBULAR, OCULAR, AND RECTAL, WITH FLUSHING; RECTAL PAIN, FAMILIAL; SCN9A Paroxysmal Extreme Pain Disorder (SCN9A-PEPD). Identifiers: Orphanet 46348, MedGen C1833661, MONDO:0008179, OMIM 167400.
Primary erythromelalgia. Also called: primary erythermalgia; SCN9A Erythromelalgia (SCN9A-EM). Identifiers: Orphanet 306577, Orphanet 90026, MedGen C0014805, MONDO:0007571, OMIM 133020.
Inborn genetic diseases. Identifiers: MedGen C0950123, MeSH D030342.

Allele frequency attached by ClinVar (database versions not stated): TOPMed 0.00001; ExAC 0.00002; gnomAD exomes 0.00002.
gnomAD v4.1: 4 of 1,612,688 alleles (0.00025%); highest among the groups gnomAD compares: East Asian, 0.0089%; no homozygotes.

Submissions (3):

Ambry Genetics
Classification: Uncertain significance for Inborn genetic diseases. Last evaluated: 2023-09-20. Review status: criteria provided, single submitter. Criteria: Ambry Variant Classification Scheme 2023. Collection method: clinical testing. Allele origin: germline.

Labcorp Genetics (formerly Invitae), Labcorp
Classification: Uncertain significance for Neuropathy, hereditary sensory and autonomic, type 2A; Generalized epilepsy with febrile seizures plus, type 7. Last evaluated: 2022-05-06. Review status: criteria provided, single submitter. Criteria: Invitae Variant Classification Sherloc (09022015). Collection method: clinical testing. Allele origin: germline.
Comment: This sequence change replaces threonine, which is neutral and polar, with serine, which is neutral and polar, at codon 158 of the SCN9A protein (p.Thr158Ser). This variant is present in population databases (rs758252419, gnomAD 0.02%). This variant has not been reported in the literature in individuals affected with SCN9A-related conditions. ClinVar contains an entry for this variant (Variation ID: 958881). Algorithms developed to predict the effect of missense changes on protein structure and function are either unavailable or do not agree on the potential impact of this missense change (SIFT: "Tolerated"; PolyPhen-2: "Possibly Damaging"; Align-GVGD: "Class C0"). In summary, the available evidence is currently insufficient to determine the role of this variant in disease. Therefore, it has been classified as a Variant of Uncertain Significance.

Juno Genomics, Hangzhou Juno Genomics, Inc
Classification: Uncertain significance for Primary erythromelalgia; Channelopathy-associated congenital insensitivity to pain, autosomal recessive; Paroxysmal extreme pain disorder. Review status: criteria provided, single submitter. Criteria: ACMG Guidelines, 2015. Collection method: clinical testing. Allele origin: germline.
Comment: Absent from controls (or at extremely low frequency if recessive) in Genome Aggregation Database.;Multiple lines of computational evidence support a deleterious effect on the gene or gene product.